The following is an entry in ClinVar:

Single allele

Gene: LOC126805813 (BRD4-independent group 4 enhancer GRCh37_chr1:102676249-102677448; plus strand). Cytogenetic location: 1p21.1.
Variant type: Deletion.
Identifiers: ClinVar variation 156744 (VCV000156744.2).

ClinVar aggregate classification (germline): not provided (0 of 4 stars; one submission).

Conditions:
Small for gestational age. Also called: Low birth weight. Identifiers: MedGen C0235991, HP:0001518.

Submission:

Institute of Molecular and Cell Biology, University of Tartu
No classification provided. Condition: Small for gestational age. Review status: no classification provided. Collection method: case-control. Allele origin: unknown. Affected: yes. Study: Kasak2014.
Comment: The study aimed to determine the contribution of copy number variants in the genetic etiology of normal and complicated pregnancies. The samples represented (i) maternal blood DNA drawn from healthy pregnant women during 1st or 2nd trimester and (ii) maternal and paternal blood DNA drawn at term pregnancy cases representing normal and complicated gestations (severe preeclampsia, PE; gestational diabetes, GD; small-for-gestational age newborn, SGA; large-for-gestational age newborn, LGA). We performed CNV calling based on genome-wide genotyping dataset (Illumina HumanOmniExpress-24-v1 BeadChip) by applying three algorithms, QuantiSNP, GADA (Genome Alteration Detection Algorithm) and CNstream in parallel. The acquired CNV calls were merged with HD-CNV (Hotspot Detector for Copy Number Variants) program and only the CNVs predicted by at least two programs, were considered in subsequent analysis.

Literature cited by the submitters: PubMed 25666259.